The following is an entry in ClinVar:

NM_014141.6(CNTNAP2):c.3112G>A (p.Asp1038Asn)

Gene: CNTNAP2 (contactin associated protein 2; plus strand). Cytogenetic location: 7q36.1.
Variant type: single nucleotide variant.
Coding change: c.3112G>A on transcript NM_014141.6 (MANE Select); coding-DNA position 3112, G replaced by A.
Protein change: p.Asp1038Asn; replaces aspartic acid 1038 with asparagine.
Molecular consequence: missense variant.
Genome position (GRCh38, 1-based): chr7:148,217,389, G>A. VCF-style: chr7-148217389-G-A. GRCh37 (hg19) VCF-style: chr7-147914481-G-A.
Other names: p.D1038N:GAC>AAC; short protein forms D1038N.
Identifiers: ClinVar variation 205220 (VCV000205220.16), dbSNP rs144003410, ClinGen allele CA314078.

ClinVar aggregate classification (germline): Conflicting classifications of pathogenicity. Review status: criteria provided, conflicting classifications (1 of 4 stars). 6 submissions from 6 submitters: Uncertain significance (5); Likely benign (1). Last evaluated 2024-03-13.

Conditions:
Inborn genetic diseases. Identifiers: MedGen C0950123, MeSH D030342.
Autism, susceptibility to, 15. Also called: Autism susceptibility 15. Identifiers: MedGen C2677504, MONDO:0012801, OMIM 612100.
Cortical dysplasia-focal epilepsy syndrome (PTHSL1). Also called: Pitt-Hopkins-like syndrome 1. Identifiers: Orphanet 163681, Orphanet 221150, MedGen C2750246, MONDO:0012400, OMIM 610042.

Allele frequency attached by ClinVar (database versions not stated): gnomAD 0.00006 and 0.00008; TOPMed 0.00006; ESP Exome Variant Server 0.00008; gnomAD exomes 0.00015; 1000 Genomes Project 30x 0.00016; ExAC 0.00016; 1000 Genomes Project 0.00020.
gnomAD v4.1: 226 of 1,614,076 alleles (0.014%); highest among the groups gnomAD compares: South Asian, 0.068%; no homozygotes.

Submissions (6):

Ambry Genetics
Classification: Likely benign for Inborn genetic diseases. Last evaluated: 2024-03-13. Review status: criteria provided, single submitter. Criteria: Ambry Variant Classification Scheme 2023. Collection method: clinical testing. Allele origin: germline.

Labcorp Genetics (formerly Invitae), Labcorp
Classification: Uncertain significance for Cortical dysplasia-focal epilepsy syndrome. Last evaluated: 2023-11-01. Review status: criteria provided, single submitter. Criteria: Invitae Variant Classification Sherloc (09022015). Collection method: clinical testing. Allele origin: germline.
Comment: This sequence change replaces aspartic acid, which is acidic and polar, with asparagine, which is neutral and polar, at codon 1038 of the CNTNAP2 protein (p.Asp1038Asn). This variant is present in population databases (rs144003410, gnomAD 0.07%). This variant has not been reported in the literature in individuals affected with CNTNAP2-related conditions. ClinVar contains an entry for this variant (Variation ID: 205220). An algorithm developed to predict the effect of missense changes on protein structure and function (PolyPhen-2) suggests that this variant¬†is likely to be tolerated. In summary, the available evidence is currently insufficient to determine the role of this variant in disease. Therefore, it has been classified as a Variant of Uncertain Significance.

GeneDx
Classification: Uncertain significance. Last evaluated: 2022-08-13. Review status: criteria provided, single submitter. Criteria: GeneDx Variant Classification Process June 2021. Collection method: clinical testing. Allele origin: germline. Affected: yes.
Comment: Reported previously in a control individual and was not predicted to be deleterious; however, zygosity of the variant or the phenotype of the individual was not provided (Bakkaloglu et al., 2008); In silico analysis supports that this missense variant does not alter protein structure/function; This variant is associated with the following publications: (PMID: 18179895)

Athena Diagnostics
Classification: Uncertain significance. Last evaluated: 2022-01-26. Review status: criteria provided, single submitter. Criteria: Athena Diagnostics Criteria. Collection method: clinical testing. Allele origin: unknown.

Fulgent Genetics
Classification: Uncertain significance for Cortical dysplasia-focal epilepsy syndrome; Autism, susceptibility to, 15. Last evaluated: 2021-10-29. Review status: criteria provided, single submitter. Criteria: ACMG Guidelines, 2015. Collection method: clinical testing. Allele origin: unknown.

Illumina Laboratory Services, Illumina
Classification: Uncertain significance for Cortical dysplasia-focal epilepsy syndrome. Last evaluated: 2017-04-28. Review status: criteria provided, single submitter. Criteria: ICSL Variant Classification Criteria 13 December 2019. Collection method: clinical testing. Allele origin: germline.
Comment: This variant was observed as part of a predisposition screen in an ostensibly healthy population. A literature search was performed for the gene, cDNA change, and amino acid change (where applicable). Publications were found based on this search. However, the evidence from the literature, in combination with allele frequency data from public databases where available, was not sufficient to rule this variant in or out of causing disease. Therefore, this variant is classified as a variant of unknown significance.

Literature cited by the submitters: PubMed 18179895 (cited by Athena Diagnostics and Illumina Laboratory Services, Illumina).